The following is an entry in ClinVar:

ClinVar aggregate classification (germline): Uncertain significance (1 of 4 stars; one submission).

gnomAD v4.1: 1 of 1,551,706 alleles (0.000064%); highest among the groups gnomAD compares: Non-Finnish European, 0.000087%; no homozygotes.

Submission:

Labcorp Genetics (formerly Invitae), Labcorp
Classification: Uncertain significance. Last evaluated: 2023-12-21. Review status: criteria provided, single submitter. Criteria: Invitae Variant Classification Sherloc (09022015). Collection method: clinical testing. Allele origin: germline.
Comment: This sequence change replaces valine, which is neutral and non-polar, with methionine, which is neutral and non-polar, at codon 524 of the GREB1L protein (p.Val524Met). This variant is present in population databases (no rsID available, gnomAD 0.002%). This variant has not been reported in the literature in individuals affected with GREB1L-related conditions. ClinVar contains an entry for this variant (Variation ID: 2130655). An algorithm developed to predict the effect of missense changes on protein structure and function (PolyPhen-2) suggests that this variant is likely to be disruptive. In summary, the available evidence is currently insufficient to determine the role of this variant in disease. Therefore, it has been classified as a Variant of Uncertain Significance.

NM_001142966.3(GREB1L):c.1570G>A (p.Val524Met)

Genes: GREB1L (GREB1 like retinoic acid receptor coactivator; plus strand), GREB1L-AS1 (GREB1L antisense RNA 1; minus strand). Cytogenetic location: 18q11.1.
Variant type: single nucleotide variant.
Coding change: c.1570G>A on transcript NM_001142966.3 (MANE Select); coding-DNA position 1570, G replaced by A.
Protein change: p.Val524Met; replaces valine 524 with methionine.
Molecular consequence: missense variant.
Genome position (GRCh38, 1-based): chr18:21,449,686, G>A. VCF-style: chr18-21449686-G-A. GRCh37 (hg19) VCF-style: chr18-19029647-G-A.
Other names: c.1699G>A, p.Val567Met (NM_001410867.1); short protein forms V567M, V524M.
Identifiers: ClinVar variation 2130655 (VCV002130655.4), dbSNP rs1372598805, ClinGen allele CA401732946.